The following is an entry in ClinVar:

NM_005247.4(FGF3):c.407C>T (p.Thr136Met)

Gene: FGF3 (fibroblast growth factor 3; minus strand). Cytogenetic location: 11q13.3.
Variant type: single nucleotide variant.
Coding change: c.407C>T on transcript NM_005247.4 (MANE Select); coding-DNA position 407, C replaced by T.
Protein change: p.Thr136Met; replaces threonine 136 with methionine.
Molecular consequence: missense variant.
Genome position (GRCh38, 1-based): chr11:69,810,618, G>A on the plus strand (C>T on the coding strand, the complement: FGF3 is on the minus strand). VCF-style: chr11-69810618-G-A. GRCh37 (hg19) VCF-style: chr11-69625386-G-A.
Other names: short protein forms T136M.
Identifiers: ClinVar variation 1500409 (VCV001500409.9), dbSNP rs782272422, ClinGen allele CA6157076.

ClinVar aggregate classification (germline): Uncertain significance. Review status: criteria provided, multiple submitters, no conflicts (2 of 4 stars). 3 submissions from 3 submitters: Uncertain significance (3). Last evaluated 2024-05-13.

Allele frequency attached by ClinVar (database versions not stated): gnomAD 0.00001 and 0.00002; gnomAD exomes 0.00002; TOPMed 0.00002; ExAC 0.00003.
gnomAD v4.1: 25 of 1,606,926 alleles (0.0016%); highest among the groups gnomAD compares: East Asian, 0.0067%; no homozygotes.

Submissions (3):

Blueprint Genetics
Classification: Uncertain significance. Last evaluated: 2024-05-13. Review status: criteria provided, single submitter. Criteria: ACMG Guidelines, 2015. Collection method: clinical testing. Allele origin: germline.

Labcorp Genetics (formerly Invitae), Labcorp
Classification: Uncertain significance. Last evaluated: 2022-08-09. Review status: criteria provided, single submitter. Criteria: Invitae Variant Classification Sherloc (09022015). Collection method: clinical testing. Allele origin: germline.
Comment: This sequence change replaces threonine, which is neutral and polar, with methionine, which is neutral and non-polar, at codon 136 of the FGF3 protein (p.Thr136Met). This variant is present in population databases (rs782272422, gnomAD 0.004%). This variant has not been reported in the literature in individuals affected with FGF3-related conditions. ClinVar contains an entry for this variant (Variation ID: 1500409). Algorithms developed to predict the effect of missense changes on protein structure and function are either unavailable or do not agree on the potential impact of this missense change (SIFT: "Deleterious"; PolyPhen-2: "Probably Damaging"; Align-GVGD: "Class C0"). In summary, the available evidence is currently insufficient to determine the role of this variant in disease. Therefore, it has been classified as a Variant of Uncertain Significance.

Breakthrough Genomics
Classification: Uncertain significance. Review status: criteria provided, single submitter. Criteria: ACMG Guidelines, 2015. Collection method: not provided. Allele origin: germline. Inheritance: Autosomal recessive inheritance. Affected: yes.